The following is an entry in ClinVar:

NM_004006.3(DMD):c.10141C>T (p.Arg3381Ter)

Gene: DMD (dystrophin; minus strand). Cytogenetic location: Xp21.2.
Variant type: single nucleotide variant.
Coding change: c.10141C>T on transcript NM_004006.3 (MANE Select); coding-DNA position 10141, C replaced by T.
Protein change: p.Arg3381Ter; replaces arginine 3381 with a stop codon.
Molecular consequence: nonsense.
Genome position (GRCh38, 1-based): chrX:31,178,751, G>A on the plus strand (C>T on the coding strand, the complement: DMD is on the minus strand). VCF-style: chrX-31178751-G-A. GRCh37 (hg19) VCF-style: chrX-31196868-G-A.
Other names: NP_003997.1:p.Arg3381*; c.10117C>T, p.Arg3373Ter (NM_000109.4); c.10129C>T, p.Arg3377Ter (NM_004009.3); c.9772C>T, p.Arg3258Ter (NM_004010.3); c.6118C>T, p.Arg2040Ter (NM_004011.4); c.6109C>T, p.Arg2037Ter (NM_004012.4); c.2761C>T, p.Arg921Ter (NM_004013.3, NM_004020.4, NM_004021.3 and 2 more transcripts); c.1954C>T, p.Arg652Ter (NM_004014.3); and 1 more; short protein forms R3381*, R3258*, R921*, R2040*, R313*, R2037*, R3373*, R3377*.
Identifiers: ClinVar variation 11273 (VCV000011273.63), dbSNP rs104894790, ClinGen allele CA273070.

ClinVar aggregate classification (germline): Pathogenic. Review status: criteria provided, multiple submitters, no conflicts (2 of 4 stars). 15 submissions from 15 submitters: Pathogenic (13). 2 of the submissions do not count toward it. Last evaluated 2026-04-08.

Conditions:
X-linked DMD-related dystrophinopathy.
Becker muscular dystrophy, Cardiomyopathy, Duchenne muscular dystrophy, Dystrophin deficiency.
DMD-related disorder. Also called: DMD-related condition.
DMD-related muscular dystrophy. Identifiers: MedGen CN379372, MONDO:0700285.
Duchenne muscular dystrophy (DMD). Also called: MUSCULAR DYSTROPHY, PSEUDOHYPERTROPHIC PROGRESSIVE, DUCHENNE TYPE; Duchenne Muscular Dystrophy (DMD). Identifiers: Orphanet 98896, MedGen C0013264, MONDO:0010679, OMIM 310200.
Abnormality of the musculature. Identifiers: MedGen C4021745, HP:0003011.

Submissions (15):

Victorian Clinical Genetics Services, Murdoch Childrens Research Institute
Classification: Pathogenic for DMD-related muscular dystrophy. Last evaluated: 2026-04-08. Review status: criteria provided, single submitter. Criteria: ACMG Guidelines, 2015. Collection method: clinical testing. Allele origin: germline. Affected: yes.
Comment: This variant is classified as Pathogenic. Evidence in support of pathogenic classification: Variant is predicted to cause nonsense-mediated decay (NMD) and loss of protein (premature termination codon is located at least 54 nucleotides upstream of the final exon-exon junction); Variant is absent from gnomAD (v2, v3 and v4); This variant has strong previous evidence of pathogenicity in unrelated individuals. This variant has been reported pathogenic by multiple clinical laboratories in ClinVar. Additional information: This variant is hemizygous; This gene is associated with X-linked disease.

Labcorp Genetics (formerly Invitae), Labcorp
Classification: Pathogenic for Duchenne muscular dystrophy. Last evaluated: 2025-11-08. Review status: criteria provided, single submitter. Criteria: Invitae Variant Classification Sherloc (09022015). Collection method: clinical testing. Allele origin: germline.
Comment: This sequence change creates a premature translational stop signal (p.Arg3381*) in the DMD gene. It is expected to result in an absent or disrupted protein product. Loss-of-function variants in DMD are known to be pathogenic (PMID: 16770791, 25007885). This variant is not present in population databases (gnomAD no frequency). This premature translational stop signal has been observed in individuals with DMD-related muscular dystrophy (PMID: 8281150, 10320864, 27593222). Invitae Evidence Modeling of clinical and family history, age, sex, and reported ancestry of multiple individuals with this DMD variant has been performed. This variant is expected to be pathogenic with a positive predictive value of at least 99%. This is a validated machine learning model that incorporates the clinical features of 600,801 individuals referred to our laboratory for DMD testing. ClinVar contains an entry for this variant (Variation ID: 11273). For these reasons, this variant has been classified as Pathogenic.

Natera, Inc.
Classification: Pathogenic for Becker muscular dystrophy, Cardiomyopathy, Duchenne muscular dystrophy, Dystrophin deficiency. Last evaluated: 2025-07-19. Review status: criteria provided, single submitter. Criteria: Natera Variant Classification Schema (03/2026). Collection method: clinical testing. Allele origin: germline.
Comment: The c.10141C>T variant in DMD is a nonsense variant predicted to introduce a stop codon at amino acid 3381. This variant is expected to result in nonsense mediated decay, truncation, or a dysfunctional protein product. This variant is rare in the general population with a frequency below the threshold expected for the associated phenotype(s). This variant has been observed in affected individual(s) with monoallelic occurrence (heterozygous/hemizygous) (PMID: 29604111, 22425969, 17259292). Additionally, this variant has been observed to segregate in affected family members (PMID: 22425969). Given the available evidence, this variant is classified as Pathogenic.

CeGaT Center for Human Genetics Tuebingen
Classification: Pathogenic. Last evaluated: 2024-12-01. Review status: criteria provided, single submitter. Criteria: CeGaT Center For Human Genetics Tuebingen Variant Classification Criteria Version 2. Collection method: clinical testing. Allele origin: germline. Affected: yes. Observed: 3 variant alleles.
Comment: DMD: PVS1, PM2, PS4:Moderate

GeneDx
Classification: Pathogenic. Last evaluated: 2023-12-14. Review status: criteria provided, single submitter. Criteria: GeneDx Variant Classification Process June 2021. Collection method: clinical testing. Allele origin: germline. Affected: yes.
Comment: Reported previously in association with dystrophinopathy in published literature, the Leiden Open Variation Database, the UMD-DMD database and in individuals referred for genetic testing at GeneDx (PMID: 27425820, 8281150, 10320864, 19783145); Nonsense variant predicted to result in protein truncation or nonsense mediated decay in a gene for which loss-of-function is a known mechanism of disease; Based on the understanding of this genetic alteration, it may be amenable to nonsense read-through therapy that is currently available or in clinical trial; Not observed in large population cohorts (gnomAD); This variant is associated with the following publications: (PMID: 19783145, 27425820, 27593222, 30833962, 23148581, 10320864, 25525159, 26886021, 20409719, 33773883, 32358784, 8281150)

Blueprint Genetics
Classification: Pathogenic for DMD-related disorders. Last evaluated: 2023-11-09. Review status: criteria provided, single submitter. Criteria: ACMG Guidelines, 2015. Collection method: clinical testing. Allele origin: germline. Affected: yes. Observed: 1 variant allele.

Neuberg Centre For Genomic Medicine, NCGM
Classification: Pathogenic for Duchenne muscular dystrophy. Last evaluated: 2023-07-22. Review status: criteria provided, single submitter. Criteria: ACMG Guidelines, 2015. Collection method: clinical testing. Allele origin: germline. Inheritance: X-linked recessive inheritance. Affected: yes.
Comment: The observed c.10141C>T p.Arg3381Ter variant in DMD gene has been previously reported in hemizygous in multiple individuals affected with Duchenne muscular dystrophy Paredes-Redondo A et al. 2021; Ferrari G et al. 2020. The p.Arg3381Ter variant is absent in gnomAD Exomes. This variant has been submitted to the ClinVar database as Pathogenic multiple submitters. Computational evidence Mutation Taster - Disease causing predicts damaging effect on protein structure and function for this variant. The reference nucleotide change c.10141C>T in DMD gene is predicted as conserved by GERP++ and PhyloP across 100 vertebrates. This variant is predicted to cause loss of normal protein function through protein truncation. Loss-of-function variants in DMD are known to be pathogenic Santos R et al. 2014. For these reasons, this variant has been classified as Pathogenic.

Laboratory of Medical Genetics, National & Kapodistrian University of Athens
Classification: Pathogenic for Duchenne muscular dystrophy. Last evaluated: 2022-12-16. Review status: criteria provided, single submitter. Criteria: ACMG Guidelines, 2015. Collection method: clinical testing. Allele origin: germline. Affected: yes.
Comment: PVS1, PM2, PP5

Kariminejad - Najmabadi Pathology & Genetics Center
Classification: Pathogenic for Abnormality of the musculature. Last evaluated: 2021-07-10. Review status: criteria provided, single submitter. Criteria: ACMG Guidelines, 2015. Collection method: clinical testing. Allele origin: germline. Affected: yes.

Centre of Medical Genetics, University Hospital Muenster
Classification: Pathogenic. Last evaluated: 2021-03-08. Review status: criteria provided, single submitter. Criteria: ACMG Guidelines, 2015. Collection method: clinical testing. Allele origin: unknown. Affected: yes. Observed: 1 variant allele, 1 homozygote.
Comment: ACMG categories: PVS1,PM2,PP3,PP5

Eurofins Ntd Llc (ga)
Classification: Pathogenic. Last evaluated: 2017-06-23. Review status: criteria provided, single submitter. Criteria: EGL Classification Definitions 2015. Collection method: clinical testing. Allele origin: germline. Observed: 5 variant alleles, 3 heterozygotes, 2 hemizygotes.

Athena Diagnostics
Classification: Pathogenic for Duchenne muscular dystrophy. Last evaluated: 2015-06-02. Review status: criteria provided, single submitter. Criteria: Athena Diagnostics Criteria. Collection method: clinical testing. Allele origin: germline. Inheritance: X-linked recessive inheritance.
Comment: X-linked recessive inheritance

Juno Genomics, Hangzhou Juno Genomics, Inc
Classification: Pathogenic for Duchenne muscular dystrophy. Review status: criteria provided, single submitter. Criteria: ACMG Guidelines, 2015. Collection method: clinical testing. Allele origin: germline.
Comment: Absent from controls (or at extremely low frequency if recessive) in Genome Aggregation Database.;Null variant in a gene where loss of function (LOF) is a known mechanism of disease.;The prevalence of the variant in affected individuals is significantly increased compared to the prevalence in controls.;Patient's phenotype or family history is highly specific for a disease with a single genetic etiology.

Biochemical Molecular Genetic Laboratory, King Abdulaziz Medical City
Classification: Pathogenic for X-linked DMD-related dystrophinopathy. Last evaluated: 2019-08-25. Review status: no assertion criteria provided. Collection method: clinical testing. Allele origin: germline. Affected: yes. Not counted in ClinVar's aggregate classification.

OMIM
Classification: Pathogenic for DUCHENNE MUSCULAR DYSTROPHY. Last evaluated: 1993-11-01. Review status: no assertion criteria provided. Collection method: literature only. Allele origin: germline. Not counted in ClinVar's aggregate classification.

Literature cited by the submitters: PubMed 16770791 (cited by Labcorp Genetics (formerly Invitae), Labcorp); PubMed 25007885 (cited by Labcorp Genetics (formerly Invitae), Labcorp); PubMed 8281150 (cited by 3 submitters); PubMed 10320864 (cited by Labcorp Genetics (formerly Invitae), Labcorp and Athena Diagnostics); PubMed 27593222 (cited by Labcorp Genetics (formerly Invitae), Labcorp); PubMed 29604111 (cited by Natera, Inc.); PubMed 22425969 (cited by Natera, Inc.); PubMed 17259292 (cited by Natera, Inc.); PubMed 10533061 (cited by Athena Diagnostics); PubMed 17145200 (cited by Athena Diagnostics); PubMed 19409785 (cited by Athena Diagnostics); PubMed 19783145 (cited by Athena Diagnostics); PubMed 19937601 (cited by Athena Diagnostics); PubMed 7668256 (cited by Athena Diagnostics); PubMed 8301652 (cited by OMIM).